The following is an entry in ClinVar:

NM_006035.4(CDC42BPB):c.1357_1359del (p.Glu453del)

Gene: CDC42BPB (CDC42 binding protein kinase beta; minus strand). Cytogenetic location: 14q32.32.
Variant type: Deletion.
Coding change: c.1357_1359del on transcript NM_006035.4 (MANE Select); coding-DNA positions 1357 to 1359, 3 bases deleted (GAG; older notation c.1357_1359delGAG).
Protein change: p.Glu453del; deletes glutamic acid 453.
Molecular consequence: inframe deletion.
Genome position (GRCh38, 1-based): chr14:102,975,911-102,975,913, CTC deleted on the plus strand (GAG on the coding strand, the reverse complement: CDC42BPB is on the minus strand); deleting any 3 consecutive bases within chr14:102,975,911-102,975,915 gives the same sequence; the c. name uses the placement nearest the transcript's 3' end. VCF-style (leftmost placement, unchanged base first): chr14-102975910-TCTC-T. GRCh37 (hg19) VCF-style: chr14-103442247-TCTC-T.
Other names: c.1357_1359del, p.Glu453del (NM_001411054.1); short protein forms E453del.
Identifiers: ClinVar variation 4991195 (VCV004991195.1).

ClinVar aggregate classification (germline): Uncertain significance (1 of 4 stars; one submission).

Conditions:
CDC42BPB-related disorder.

Submission:

PreventionGenetics, part of Exact Sciences
Classification: Uncertain significance for CDC42BPB-related condition. Last evaluated: 2026-01-13. Review status: criteria provided, single submitter. Criteria: ACMG Guidelines, 2015. Collection method: clinical testing. Allele origin: germline.
Comment: The CDC42BPB c.1357_1359delGAG variant is predicted to result in an in-frame deletion (p.Glu453del). To our knowledge, this variant has not been reported in the literature or in a large population database (gnomAD), indicating this variant is rare. At this time, the clinical significance of this variant is uncertain due to the absence of conclusive functional and genetic evidence.